The following is an entry in ClinVar:

NM_020706.2(SCAF4):c.1115C>A (p.Pro372His)

Gene: SCAF4 (SR-related CTD associated factor 4; minus strand). Cytogenetic location: 21q22.11.
Variant type: single nucleotide variant.
Coding change: c.1115C>A on transcript NM_020706.2 (MANE Select); coding-DNA position 1115, C replaced by A.
Protein change: p.Pro372His; replaces proline 372 with histidine.
Molecular consequence: missense variant.
Genome position (GRCh38, 1-based): chr21:31,694,934, G>T on the plus strand (C>A on the coding strand, the complement: SCAF4 is on the minus strand). VCF-style: chr21-31694934-G-T. GRCh37 (hg19) VCF-style: chr21-33067247-G-T.
Other names: c.1070C>A, p.Pro357His (NM_001145444.1); c.1115C>A, p.Pro372His (NM_001145445.1); short protein forms P357H, P372H.
Identifiers: ClinVar variation 3339362 (VCV003339362.1).

ClinVar aggregate classification (germline): Uncertain significance (1 of 4 stars; one submission).

gnomAD v4.1: 3 of 1,613,962 alleles (0.00019%); highest among the groups gnomAD compares: Non-Finnish European, 0.000085%; no homozygotes.

Submission:

Women's Health and Genetics/Laboratory Corporation of America, LabCorp
Classification: Uncertain significance. Last evaluated: 2024-07-24. Review status: criteria provided, single submitter. Criteria: LabCorp Variant Classification Summary - May 2015. Collection method: clinical testing. Allele origin: germline.
Comment: Variant summary: SCAF4 c.1115C>A (p.Pro372His) results in a non-conservative amino acid change in the encoded protein sequence. Three of five in-silico tools predict a damaging effect of the variant on protein function. The variant allele was found at a frequency of 4e-06 in 251438 control chromosomes (gnomAD). The available data on variant occurrences in the general population are insufficient to allow any conclusion about variant significance. To our knowledge, no occurrence of c.1115C>A in individuals affected with Fliedner-Zweier Syndrome and no experimental evidence demonstrating its impact on protein function have been reported. No submitters have cited clinical-significance assessments for this variant to ClinVar. Based on the evidence outlined above, the variant was classified as uncertain significance.